The following is an entry in ClinVar:

ClinVar aggregate classification (germline): Likely benign (1 of 4 stars; one submission).

Allele frequency attached by ClinVar (database versions not stated): gnomAD 0.00003; TOPMed 0.00003; gnomAD exomes 0.00004; ExAC 0.00006; ESP Exome Variant Server 0.00008.
gnomAD v4.1: 63 of 1,613,526 alleles (0.0039%); highest among the groups gnomAD compares: Non-Finnish European, 0.0053%; no homozygotes.

Submission:

CeGaT Center for Human Genetics Tuebingen
Classification: Likely benign. Last evaluated: 2023-06-01. Review status: criteria provided, single submitter. Criteria: CeGaT Center For Human Genetics Tuebingen Variant Classification Criteria Version 2. Collection method: clinical testing. Allele origin: germline. Affected: yes. Observed: 1 variant allele.
Comment: FUT2: BP4, BP7

NM_000511.6(FUT2):c.762C>T (p.Asp254=)

Genes: FUT2 (fucosyltransferase 2 (H blood group); plus strand), LOC105447645 (uncharacterized LOC105447645; minus strand). Cytogenetic location: 19q13.33.
Variant type: single nucleotide variant.
Coding change: c.762C>T on transcript NM_000511.6 (MANE Select); coding-DNA position 762, C replaced by T.
Protein change: p.Asp254=; no amino-acid change (aspartic acid 254 retained).
Molecular consequence: synonymous variant. On other transcripts: non-coding transcript variant (1).
Genome position (GRCh38, 1-based): chr19:48,703,718, C>T. VCF-style: chr19-48703718-C-T. GRCh37 (hg19) VCF-style: chr19-49206975-C-T.
Other names: c.762C>T, p.Asp254= (NM_001097638.3).
Identifiers: ClinVar variation 2650217 (VCV002650217.24), dbSNP rs373029662, ClinGen allele CA9556341.
Genomic context (GRCh38, chr19:48,703,718, plus strand): 5'-CAGCTCCCTCATCTTCGTGGTCACCAGTAATGGCATGGCCTGGTGTCGGGAGAACATTGA[C>T]ACCTCCCACGGTGATGTGGTGTTTGCTGGCGATGGCATTGAGGGCTCACCTGCCAAAGAT-3'
Protein context (NP_000502.4, residues 244-264): NGMAWCRENI[Asp254=]TSHGDVVFAG